The following is an entry in ClinVar:

ClinVar aggregate classification (germline): Uncertain significance (1 of 4 stars; one submission).

Conditions:
Charcot-Marie-Tooth disease axonal type 2C (HMSN2C). Also called: CHARCOT-MARIE-TOOTH DISEASE, AXONAL, AUTOSOMAL DOMINANT, TYPE 2C; Charcot-Marie-Tooth Neuropathy Type 2C; Charcot-Marie-Tooth Disease Type 2, TRPV4-Related (CMT2C). Identifiers: Orphanet 99937, MedGen C1853710, MONDO:0011633, OMIM 606071.

Submission:

Labcorp Genetics (formerly Invitae), Labcorp
Classification: Uncertain significance for Charcot-Marie-Tooth disease axonal type 2C. Last evaluated: 2023-11-17. Review status: criteria provided, single submitter. Criteria: Invitae Variant Classification Sherloc (09022015). Collection method: clinical testing. Allele origin: germline.
Comment: This sequence change replaces valine, which is neutral and non-polar, with methionine, which is neutral and non-polar, at codon 15 of the TRPV4 protein (p.Val15Met). The frequency data for this variant in the population databases is considered unreliable, as metrics indicate poor data quality at this position in the gnomAD database. This variant has not been reported in the literature in individuals affected with TRPV4-related conditions. Advanced modeling of protein sequence and biophysical properties (such as structural, functional, and spatial information, amino acid conservation, physicochemical variation, residue mobility, and thermodynamic stability) performed at Invitae indicates that this missense variant is not expected to disrupt TRPV4 protein function with a negative predictive value of 95%. In summary, the available evidence is currently insufficient to determine the role of this variant in disease. Therefore, it has been classified as a Variant of Uncertain Significance.

NM_021625.5(TRPV4):c.43G>A (p.Val15Met)

Gene: TRPV4 (transient receptor potential cation channel subfamily V member 4; minus strand). Cytogenetic location: 12q24.11.
Variant type: single nucleotide variant.
Coding change: c.43G>A on transcript NM_021625.5 (MANE Select); coding-DNA position 43, G replaced by A.
Protein change: p.Val15Met; replaces valine 15 with methionine.
Molecular consequence: missense variant.
Genome position (GRCh38, 1-based): chr12:109,814,754, C>T on the plus strand (G>A on the coding strand, the complement: TRPV4 is on the minus strand). VCF-style: chr12-109814754-C-T. GRCh37 (hg19) VCF-style: chr12-110252559-C-T.
Other names: c.43G>A, p.Val15Met (NM_001177428.2, NM_001177431.2, NM_001177433.2 and 1 more transcripts); short protein forms V15M.
Identifiers: ClinVar variation 2696408 (VCV002696408.3), dbSNP rs756206389, ClinGen allele CA6780630.
Genomic context (GRCh38, chr12:109,814,754, plus strand): 5'-AGGAGAGAGGAAAAGCCTCCCCACCTGGGGTGCCACTCTCATCCCCGGGGAGCTCAGCCA[C>T]CTCCCCGGGCCCCGCGCGGGGGCCTTCGCTGGAATCCGCCATGCCTGCCCCAGGCCCGTC-3'
Protein context (NP_067638.3, residues 5-25): SEGPRAGPGE[Val15Met]AELPGDESGT